The following is an entry in ClinVar:

NM_004260.4(RECQL4):c.478C>A (p.Pro160Thr)

Gene: RECQL4 (RecQ like helicase 4; minus strand). Cytogenetic location: 8q24.3.
Variant type: single nucleotide variant.
Coding change: c.478C>A on transcript NM_004260.4 (MANE Select); coding-DNA position 478, C replaced by A.
Protein change: p.Pro160Thr; replaces proline 160 with threonine.
Molecular consequence: missense variant.
Genome position (GRCh38, 1-based): chr8:144,516,641, G>T on the plus strand (C>A on the coding strand, the complement: RECQL4 is on the minus strand). VCF-style: chr8-144516641-G-T. GRCh37 (hg19) VCF-style: chr8-145742025-G-T.
Other names: short protein forms P160T.
Identifiers: ClinVar variation 529047 (VCV000529047.9), dbSNP rs758124770, ClinGen allele CA4949280.
Genomic context (GRCh38, chr8:144,516,641, plus strand): 5'-TCAGGGATGCCTGCAGATGCTGGAGCCGGCCTGGCCTTGGCTGGGGCTCAGGGAGCTGTG[G>T]AGGCTCATCACTGACTTTTTCTGCAAAGGAGGGGACAGGCCCTGTACCTGGGGGCTTTGG-3'
Protein context (NP_004251.4, residues 150-170): SFAEKVSDEP[Pro160Thr]QLPEPQPRPG

ClinVar aggregate classification (germline): Uncertain significance. Review status: criteria provided, multiple submitters, no conflicts (2 of 4 stars). 2 submissions from 2 submitters: Uncertain significance (2). Last evaluated 2025-05-01.

Conditions:
Baller-Gerold syndrome (BGS). Also called: CRANIOSYNOSTOSIS WITH RADIAL DEFECTS. Identifiers: Orphanet 1225, MedGen C0265308, MONDO:0009039, OMIM 218600.
Inborn genetic diseases. Identifiers: MedGen C0950123, MeSH D030342.

Allele frequency attached by ClinVar (database versions not stated): gnomAD 0.00001; TOPMed 0.00001.
gnomAD v4.1: 9 of 1,608,104 alleles (0.00056%); highest among the groups gnomAD compares: Non-Finnish European, 0.00076%; no homozygotes.

Submissions (2):

Ambry Genetics
Classification: Uncertain significance for Inborn genetic diseases. Last evaluated: 2025-05-01. Review status: criteria provided, single submitter. Criteria: Ambry Variant Classification Scheme 2023. Collection method: clinical testing. Allele origin: germline.

Labcorp Genetics (formerly Invitae), Labcorp
Classification: Uncertain significance for Baller-Gerold syndrome. Last evaluated: 2025-01-06. Review status: criteria provided, single submitter. Criteria: Invitae Variant Classification Sherloc (09022015). Collection method: clinical testing. Allele origin: germline.
Comment: This sequence change replaces proline, which is neutral and non-polar, with threonine, which is neutral and polar, at codon 160 of the RECQL4 protein (p.Pro160Thr). This variant is present in population databases (rs758124770, gnomAD 0.003%). This variant has not been reported in the literature in individuals affected with RECQL4-related conditions. ClinVar contains an entry for this variant (Variation ID: 529047). Invitae Evidence Modeling of protein sequence and biophysical properties (such as structural, functional, and spatial information, amino acid conservation, physicochemical variation, residue mobility, and thermodynamic stability) indicates that this missense variant is not expected to disrupt RECQL4 protein function with a negative predictive value of 80%. In summary, the available evidence is currently insufficient to determine the role of this variant in disease. Therefore, it has been classified as a Variant of Uncertain Significance.